The following is an entry in ClinVar:

NM_000038.6(APC):c.4826C>A (p.Pro1609Gln)

Gene: APC (APC regulator of Wnt signaling pathway; plus strand). Cytogenetic location: 5q22.2.
Variant type: single nucleotide variant.
Coding change: c.4826C>A on transcript NM_000038.6 (MANE Select); coding-DNA position 4826, C replaced by A.
Protein change: p.Pro1609Gln; replaces proline 1609 with glutamine.
Molecular consequence: missense variant.
Genome position (GRCh38, 1-based): chr5:112,840,420, C>A. VCF-style: chr5-112840420-C-A. GRCh37 (hg19) VCF-style: chr5-112176117-C-A.
Other names: c.4826C>A, p.Pro1609Gln (NM_001127510.3, NM_001354895.2); c.4772C>A, p.Pro1591Gln (NM_001127511.3); c.4880C>A, p.Pro1627Gln (NM_001354896.2); c.4856C>A, p.Pro1619Gln (NM_001354897.2); c.4751C>A, p.Pro1584Gln (NM_001354898.2); c.4742C>A, p.Pro1581Gln (NM_001354899.2); c.4703C>A, p.Pro1568Gln (NM_001354900.2); c.4649C>A, p.Pro1550Gln (NM_001354901.2); and 5 more; short protein forms P1326Q, P1449Q, P1483Q, P1508Q, P1518Q, P1550Q, P1568Q, P1581Q.
Identifiers: ClinVar variation 1002960 (VCV001002960.10), dbSNP rs1765775529, ClinGen allele CA16031906.
Genomic context (GRCh38, chr5:112,840,420, plus strand): 5'-GTAAAGCAAAAAAGCCAGCCCAGACTGCTTCAAAATTACCTCCACCTGTGGCAAGGAAAC[C>A]AAGTCAGCTGCCTGTGTACAAACTTCTACCATCACAAAACAGGTTGCAACCCCAAAAGCA-3'
Protein context (NP_000029.2, residues 1599-1619): SKLPPPVARK[Pro1609Gln]SQLPVYKLLP

ClinVar aggregate classification (germline): Uncertain significance (1 of 4 stars; one submission).

Conditions:
Familial adenomatous polyposis 1 (FAP1). Also called: FAMILIAL ADENOMATOUS POLYPOSIS 1, ATTENUATED; POLYPOSIS, ADENOMATOUS INTESTINAL. Identifiers: MedGen C2713442, MONDO:0021056, OMIM 175100. Disease mechanism: loss of function.

Submission:

Labcorp Genetics (formerly Invitae), Labcorp
Classification: Uncertain significance for Familial adenomatous polyposis 1. Last evaluated: 2020-09-26. Review status: criteria provided, single submitter. Criteria: Invitae Variant Classification Sherloc (09022015). Collection method: clinical testing. Allele origin: germline.
Comment: In summary, the available evidence is currently insufficient to determine the role of this variant in disease. Therefore, it has been classified as a Variant of Uncertain Significance. Algorithms developed to predict the effect of missense changes on protein structure and function are either unavailable or do not agree on the potential impact of this missense change (SIFT: "Deleterious"; PolyPhen-2: "Probably Damaging"; Align-GVGD: "Class C0"). This variant has not been reported in the literature in individuals with APC-related conditions. This variant is not present in population databases (ExAC no frequency). This sequence change replaces proline with glutamine at codon 1609 of the APC protein (p.Pro1609Gln). The proline residue is highly conserved and there is a moderate physicochemical difference between proline and glutamine.